The following is an entry in ClinVar:

NM_001901.4(CCN2):c.479G>C (p.Cys160Ser)

Genes: CCN2 (cellular communication network factor 2; minus strand), CCN2-AS1 (CCN2 antisense RNA 1; plus strand). Cytogenetic location: 6q23.2.
Variant type: single nucleotide variant.
Coding change: c.479G>C on transcript NM_001901.4 (MANE Select); coding-DNA position 479, G replaced by C.
Protein change: p.Cys160Ser; replaces cysteine 160 with serine.
Molecular consequence: missense variant.
Genome position (GRCh38, 1-based): chr6:131,950,354, C>G on the plus strand (G>C on the coding strand, the complement: CCN2 is on the minus strand). VCF-style: chr6-131950354-C-G. GRCh37 (hg19) VCF-style: chr6-132271494-C-G.
Other names: short protein forms C160S.
Identifiers: ClinVar variation 3778150 (VCV003778150.7).
Genomic context (GRCh38, chr6:131,950,354, plus strand): 5'-GCGAGGGCAGGCCCAACCACGGTTTGGTCCTTGGGCTCGTCACACACCCACTCCTCGCAG[C>G]ATTTCCCGGGCAGCTTGACCCTCCTCGGGAAGGGGCAGTCAGGGCTGGGCAGACGAACGT-3'
Protein context (NP_001892.2, residues 150-170): FPRRVKLPGK[Cys160Ser]CEEWVCDEPK

ClinVar aggregate classification (germline): Uncertain significance (1 of 4 stars; one submission).

Submission:

CeGaT Center for Human Genetics Tuebingen
Classification: Uncertain significance. Last evaluated: 2025-03-01. Review status: criteria provided, single submitter. Criteria: CeGaT Center For Human Genetics Tuebingen Variant Classification Criteria Version 2. Collection method: clinical testing. Allele origin: germline. Affected: yes. Observed: 1 variant allele.
Comment: CCN2: PM2, PP3